The following is an entry in ClinVar:

NM_001077525.3(MTMR14):c.801del (p.Leu268fs)

Gene: MTMR14 (myotubularin related protein 14; plus strand). Cytogenetic location: 3p25.3.
Variant type: Deletion.
Coding change: c.801del on transcript NM_001077525.3 (MANE Select); coding-DNA position 801, one base deleted (G; older notation c.801delG).
Protein change: p.Leu268fs; shifts the reading frame from leucine 268.
Molecular consequence: frameshift variant. On other transcripts: non-coding transcript variant (6), intron variant (4).
Genome position (GRCh38, 1-based): chr3:9,677,366, G deleted; the last of 3 consecutive G bases (chr3:9,677,364-9,677,366); deleting any one gives the same sequence. VCF-style (leftmost placement, unchanged base first): chr3-9677363-AG-A. GRCh37 (hg19) VCF-style: chr3-9719047-AG-A.
Other names: c.801del, p.Leu268fs (NM_001077526.3, NM_001400520.1, NM_001400523.1 and 2 more transcripts); c.870del, p.Leu291fs (NM_001400518.1, NM_001400521.1, NM_001400526.1); c.798del, p.Leu267fs (NM_001400519.1, NM_001400522.1); c.555del, p.Leu186fs (NM_001400524.1, NM_001400527.1, NM_001400530.1 and 1 more transcripts); c.519del, p.Leu174fs (NM_001400525.1, NM_001400529.1, NM_001400532.1 and 1 more transcripts); c.552del, p.Leu185fs (NM_001400531.1); c.159del, p.Leu54fs (NM_001400533.1, NM_001400534.1, NM_001400535.1 and 9 more transcripts); c.36+4608del (NM_001400547.1, NM_001400548.1, NM_001400544.1 and 1 more transcripts); short protein forms L174fs, L185fs, L186fs, L267fs, L268fs, L291fs, L54fs.
Identifiers: ClinVar variation 4534445 (VCV004534445.7).

ClinVar aggregate classification (germline): Conflicting classifications of pathogenicity. Review status: criteria provided, conflicting classifications (1 of 4 stars). 2 submissions from 2 submitters: Uncertain significance (1); Likely benign (1). Last evaluated 2025-11-01.

Submissions (2):

CeGaT Center for Human Genetics Tuebingen
Classification: Likely benign. Last evaluated: 2025-11-01. Review status: criteria provided, single submitter. Criteria: CeGaT Center For Human Genetics Tuebingen Variant Classification Criteria Version 2. Collection method: clinical testing. Allele origin: germline. Affected: yes. Observed: 1 variant allele.
Comment: MTMR14: BS2

Labcorp Genetics (formerly Invitae), Labcorp
Classification: Uncertain significance. Last evaluated: 2025-05-19. Review status: criteria provided, single submitter. Criteria: Invitae Variant Classification Sherloc (09022015). Collection method: clinical testing. Allele origin: germline.
Comment: This sequence change creates a premature translational stop signal (p.Leu268Serfs*14) in the MTMR14 gene. It is expected to result in an absent or disrupted protein product. However, the current clinical and genetic evidence is not sufficient to establish whether loss-of-function variants in MTMR14 cause disease. This variant is present in population databases (rs756805829, gnomAD 0.005%). This variant has not been reported in the literature in individuals affected with MTMR14-related conditions. In summary, the available evidence is currently insufficient to determine the role of this variant in disease. Therefore, it has been classified as a Variant of Uncertain Significance.